The following is an entry in ClinVar:

NM_001101426.4(CRPPA):c.790-1G>A

Gene: CRPPA (CDP-L-ribitol pyrophosphorylase A; minus strand). Cytogenetic location: 7p21.2.
Variant type: single nucleotide variant.
Coding change: c.790-1G>A on transcript NM_001101426.4 (MANE Select); the canonical splice acceptor site of the intron before coding-DNA position 790, G replaced by A.
Molecular consequence: splice acceptor variant.
Genome position (GRCh38, 1-based): chr7:16,301,467, C>T on the plus strand (G>A on the coding strand, the complement: CRPPA is on the minus strand). VCF-style: chr7-16301467-C-T. GRCh37 (hg19) VCF-style: chr7-16341092-C-T.
Other names: c.640-1G>A (NM_001101417.4); c.685-1G>A (NM_001368197.1).
Identifiers: ClinVar variation 4794576 (VCV004794576.1).

ClinVar aggregate classification (germline): Pathogenic (1 of 4 stars; one submission).

Conditions:
Muscular dystrophy-dystroglycanopathy (congenital with brain and eye anomalies), type A, 7. Also called: WALKER-WARBURG SYNDROME OR MUSCLE-EYE-BRAIN DISEASE, ISPD-RELATED; Congenital muscular dystrophy-dystroglycanopathy with brain and eye anomalies, type A7. Identifiers: Orphanet 899, MedGen C3553330, MONDO:0013835, OMIM 614643.
Autosomal recessive limb-girdle muscular dystrophy type 2U. Also called: Muscular dystrophy-dystroglycanopathy (limb-girdle), type c, 7; MUSCULAR DYSTROPHY, LIMB-GIRDLE, TYPE 2U. Identifiers: Orphanet 352479, MedGen C5190987, MONDO:0014474, OMIM 616052.

Submission:

Labcorp Genetics (formerly Invitae), Labcorp
Classification: Pathogenic for Muscular dystrophy-dystroglycanopathy (congenital with brain and eye anomalies), type A, 7; Autosomal recessive limb-girdle muscular dystrophy type 2U. Last evaluated: 2025-10-16. Review status: criteria provided, single submitter. Criteria: Invitae Variant Classification Sherloc (09022015). Collection method: clinical testing. Allele origin: germline.
Comment: This sequence change affects an acceptor splice site in intron 4 of the ISPD gene. It is expected to disrupt RNA splicing. Variants that disrupt the donor or acceptor splice site typically lead to a loss of protein function (PMID: 16199547), and loss-of-function variants in ISPD are known to be pathogenic (PMID: 23288328). This variant is not present in population databases (gnomAD no frequency). Disruption of this splice site has been observed in individuals with ISPD-related conditions (PMID: 31395954, 34645488). Algorithms developed to predict the effect of sequence changes on RNA splicing suggest that this variant may disrupt the consensus splice site. For these reasons, this variant has been classified as Pathogenic.

Literature cited by the submitters: PubMed 16199547; PubMed 23288328; PubMed 31395954; PubMed 34645488.